The following is an entry in ClinVar:

NM_024678.6(NARS2):c.1098T>A (p.Val366=)

Gene: NARS2 (asparaginyl-tRNA synthetase 2, mitochondrial; minus strand). Cytogenetic location: 11q14.1.
Variant type: single nucleotide variant.
Coding change: c.1098T>A on transcript NM_024678.6 (MANE Select); coding-DNA position 1098, T replaced by A.
Protein change: p.Val366=; no amino-acid change (valine 366 retained).
Molecular consequence: synonymous variant.
Genome position (GRCh38, 1-based): chr11:78,465,942, A>T on the plus strand (T>A on the coding strand, the complement: NARS2 is on the minus strand). VCF-style: chr11-78465942-A-T. GRCh37 (hg19) VCF-style: chr11-78176988-A-T.
Other names: c.417T>A, p.Val139= (NM_001243251.2).
Identifiers: ClinVar variation 723932 (VCV000723932.4), dbSNP rs1244333559, ClinGen allele CA476044360.

ClinVar aggregate classification (germline): Likely benign. Review status: criteria provided, multiple submitters, no conflicts (2 of 4 stars). 2 submissions from 2 submitters: Likely benign (2). Last evaluated 2026-07-23.

Conditions:
NARS2-related disorder. Also called: NARS2-related condition.

Allele frequency attached by ClinVar (database versions not stated): gnomAD 0.00001; gnomAD exomes 0.00001.
gnomAD v4.1: 5 of 1,614,016 alleles (0.00031%); highest among the groups gnomAD compares: Admixed American, 0.0083%; no homozygotes.

Submissions (2):

PreventionGenetics, part of Exact Sciences
Classification: Likely benign for NARS2-related condition. Last evaluated: 2026-07-23. Review status: criteria provided, single submitter. Criteria: ACMG Guidelines, 2015. Collection method: clinical testing. Allele origin: germline.
Comment: This variant is classified as likely benign based on ACMG/AMP sequence variant interpretation guidelines (Richards et al. 2015 PMID: 25741868, with internal and published modifications).

Labcorp Genetics (formerly Invitae), Labcorp
Classification: Likely benign. Last evaluated: 2018-02-08. Review status: criteria provided, single submitter. Criteria: Invitae Variant Classification Sherloc (09022015). Collection method: clinical testing. Allele origin: germline.